The following is an entry in ClinVar:

NM_030973.4(MED25):c.761G>A (p.Gly254Asp)

Gene: MED25 (mediator complex subunit 25; plus strand). Cytogenetic location: 19q13.33.
Variant type: single nucleotide variant.
Coding change: c.761G>A on transcript NM_030973.4 (MANE Select); coding-DNA position 761, G replaced by A.
Protein change: p.Gly254Asp; replaces glycine 254 with aspartic acid.
Molecular consequence: missense variant.
Genome position (GRCh38, 1-based): chr19:49,830,160, G>A. VCF-style: chr19-49830160-G-A. GRCh37 (hg19) VCF-style: chr19-50333417-G-A.
Other names: c.761G>A, p.Gly254Asp (NM_001378355.1); short protein forms G254D.
Identifiers: ClinVar variation 848876 (VCV000848876.9), dbSNP rs2074044441, ClinGen allele CA406914063.

ClinVar aggregate classification (germline): Uncertain significance (1 of 4 stars; one submission).

Conditions:
Charcot-Marie-Tooth disease type 2. Also called: Charcot-Marie-Tooth type 2. Identifiers: Orphanet 64746, MedGen C0270914, MONDO:0018993.

Submission:

Labcorp Genetics (formerly Invitae), Labcorp
Classification: Uncertain significance for Charcot-Marie-Tooth disease type 2. Last evaluated: 2022-01-14. Review status: criteria provided, single submitter. Criteria: Invitae Variant Classification Sherloc (09022015). Collection method: clinical testing. Allele origin: germline.
Comment: This sequence change replaces glycine, which is neutral and non-polar, with aspartic acid, which is acidic and polar, at codon 254 of the MED25 protein (p.Gly254Asp). This variant is not present in population databases (gnomAD no frequency). This variant has not been reported in the literature in individuals affected with MED25-related conditions. ClinVar contains an entry for this variant (Variation ID: 848876). Algorithms developed to predict the effect of missense changes on protein structure and function (SIFT, PolyPhen-2, Align-GVGD) all suggest that this variant is likely to be tolerated. In summary, the available evidence is currently insufficient to determine the role of this variant in disease. Therefore, it has been classified as a Variant of Uncertain Significance.